The following is an entry in ClinVar:

ClinVar aggregate classification (germline): Benign/Likely benign. Review status: criteria provided, multiple submitters, no conflicts (2 of 4 stars). 3 submissions from 3 submitters: Benign (1); Likely benign (1). 1 of the submissions does not count toward it. Last evaluated 2024-11-18.

Conditions:
Oculofaciocardiodental syndrome (MCOPS2). Identifiers: Orphanet 2712, MedGen C1846265, MONDO:0010261, OMIM 300166.
BCOR-related disorder. Also called: BCOR-related disorders; BCOR-related condition.

Allele frequency attached by ClinVar (database versions not stated): gnomAD 0.00005; TOPMed 0.00008; ExAC 0.00009; gnomAD exomes 0.00010; ESP Exome Variant Server 0.00019.
gnomAD v4.1: 277 of 1,211,826 alleles (0.023%); highest among the groups gnomAD compares: Non-Finnish European, 0.029%; no homozygotes.

Submissions (3):

Blueprint Genetics
Classification: Likely benign. Last evaluated: 2024-11-18. Review status: criteria provided, single submitter. Criteria: ACMG Guidelines, 2015. Collection method: clinical testing. Allele origin: germline.

Labcorp Genetics (formerly Invitae), Labcorp
Classification: Benign for Oculofaciocardiodental syndrome. Last evaluated: 2024-09-29. Review status: criteria provided, single submitter. Criteria: Invitae Variant Classification Sherloc (09022015). Collection method: clinical testing. Allele origin: germline.

PreventionGenetics, part of Exact Sciences
Classification: Likely benign for BCOR-related condition. Last evaluated: 2020-11-24. Review status: no assertion criteria provided. Collection method: clinical testing. Allele origin: germline. Not counted in ClinVar's aggregate classification.
Comment: This variant is classified as likely benign based on ACMG/AMP sequence variant interpretation guidelines (Richards et al. 2015 PMID: 25741868, with internal and published modifications).

NM_001123385.2(BCOR):c.1620G>A (p.Arg540=)

Gene: BCOR (BCL6 corepressor; minus strand). Cytogenetic location: Xp11.4.
Variant type: single nucleotide variant.
Coding change: c.1620G>A on transcript NM_001123385.2 (MANE Select); coding-DNA position 1620, G replaced by A.
Protein change: p.Arg540=; no amino-acid change (arginine 540 retained).
Molecular consequence: synonymous variant.
Genome position (GRCh38, 1-based): chrX:40,073,726, C>T on the plus strand (G>A on the coding strand, the complement: BCOR is on the minus strand). VCF-style: chrX-40073726-C-T. GRCh37 (hg19) VCF-style: chrX-39932979-C-T.
Other names: c.1620G>A, p.Arg540= (NM_001123383.2, NM_001123384.2, NM_017745.6).
Identifiers: ClinVar variation 697180 (VCV000697180.13), dbSNP rs144347073, ClinGen allele CA10386907.